The following is an entry in ClinVar:

NM_017636.4(TRPM4):c.1004T>C (p.Ile335Thr)

Gene: TRPM4 (transient receptor potential cation channel subfamily M member 4; plus strand). Cytogenetic location: 19q13.33.
Variant type: single nucleotide variant.
Coding change: c.1004T>C on transcript NM_017636.4 (MANE Select); coding-DNA position 1004, T replaced by C.
Protein change: p.Ile335Thr; replaces isoleucine 335 with threonine.
Molecular consequence: missense variant. On other transcripts: 5 prime UTR variant (1).
Genome position (GRCh38, 1-based): chr19:49,171,723, T>C. VCF-style: chr19-49171723-T-C. GRCh37 (hg19) VCF-style: chr19-49674980-T-C.
Other names: c.1004T>C, p.Ile335Thr (NM_001195227.2); c.659T>C, p.Ile220Thr (NM_001321281.2); c.-550T>C (NM_001321282.2); c.482T>C, p.Ile161Thr (NM_001321283.2); c.155T>C, p.Ile52Thr (NM_001321285.2); short protein forms I161T, I220T, I335T, I52T.
Identifiers: ClinVar variation 810739 (VCV000810739.1), dbSNP rs1600421310, ClinGen allele CA406794311.

ClinVar aggregate classification (germline): Uncertain significance (1 of 4 stars; one submission).

Conditions:
Sudden unexplained death. Identifiers: MedGen C0520806.

Submission:

Agnes Ginges Centre for Molecular Cardiology, Centenary Institute
Classification: Uncertain significance for Sudden unexplained death. Last evaluated: 2017-03-16. Review status: criteria provided, single submitter. Criteria: ACMG Guidelines, 2015. Collection method: research. Allele origin: germline. Inheritance: Autosomal dominant inheritance. Affected: yes.
Comment: The TRPM4 Ile335Thr variant is absent in the 1000 genomes project, as well as the Exome Aggregation Consortium dataset. Computational tools SIFT and MutationTaster predict this variant to be "tolerated" and a "polymorphism" however, PolyPhen-2 predicts the variant to be "possibly-damaging". In summary, based on limited information and rarity in the general population, we classify TRPM4 Ile335Thr as a variant of "uncertain significance".